The following is an entry in ClinVar:

ClinVar aggregate classification (germline): Uncertain significance (1 of 4 stars; one submission).

Allele frequency attached by ClinVar (database versions not stated): gnomAD exomes below 0.00001; gnomAD 0.00001; TOPMed 0.00001.
gnomAD v4.1: 8 of 1,613,372 alleles (0.0005%); highest among the groups gnomAD compares: South Asian, 0.0011%; no homozygotes.

Submission:

Labcorp Genetics (formerly Invitae), Labcorp
Classification: Uncertain significance. Last evaluated: 2021-09-24. Review status: criteria provided, single submitter. Criteria: Invitae Variant Classification Sherloc (09022015). Collection method: clinical testing. Allele origin: germline.
Comment: This sequence change replaces glycine with glutamic acid at codon 1027 of the TONSL protein (p.Gly1027Glu). The glycine residue is moderately conserved and there is a moderate physicochemical difference between glycine and glutamic acid. This variant is not present in population databases (ExAC no frequency). This variant has not been reported in the literature in individuals with TONSL-related conditions. Algorithms developed to predict the effect of missense changes on protein structure and function output the following: SIFT: "Tolerated"; PolyPhen-2: "Benign"; Align-GVGD: "Class C0". The glutamic acid amino acid residue is found in multiple mammalian species, suggesting that this missense change does not adversely affect protein function. These predictions have not been confirmed by published functional studies and their clinical significance is uncertain. In summary, the available evidence is currently insufficient to determine the role of this variant in disease. Therefore, it has been classified as a Variant of Uncertain Significance.

NM_013432.5(TONSL):c.3080G>A (p.Gly1027Glu)

Gene: TONSL (tonsoku like, DNA repair protein; minus strand). Cytogenetic location: 8q24.3.
Variant type: single nucleotide variant.
Coding change: c.3080G>A on transcript NM_013432.5 (MANE Select); coding-DNA position 3080, G replaced by A.
Protein change: p.Gly1027Glu; replaces glycine 1027 with glutamic acid.
Molecular consequence: missense variant.
Genome position (GRCh38, 1-based): chr8:144,434,816, C>T on the plus strand (G>A on the coding strand, the complement: TONSL is on the minus strand). VCF-style: chr8-144434816-C-T. GRCh37 (hg19) VCF-style: chr8-145660199-C-T.
Other names: short protein forms G1027E.
Identifiers: ClinVar variation 1494553 (VCV001494553.5), dbSNP rs980357465, ClinGen allele CA187665951.